The following is an entry in ClinVar:

NM_000921.5(PDE3A):c.1128C>T (p.Ala376=)

Gene: PDE3A (phosphodiesterase 3A; plus strand). Cytogenetic location: 12p12.2.
Variant type: single nucleotide variant.
Coding change: c.1128C>T on transcript NM_000921.5 (MANE Select); coding-DNA position 1128, C replaced by T.
Protein change: p.Ala376=; no amino-acid change (alanine 376 retained).
Molecular consequence: synonymous variant.
Genome position (GRCh38, 1-based): chr12:20,613,559, C>T. VCF-style: chr12-20613559-C-T. GRCh37 (hg19) VCF-style: chr12-20766493-C-T.
Other names: c.162C>T, p.Ala54= (NM_001244683.2, NM_001378409.1); c.1128C>T, p.Ala376= (NM_001378407.1); c.165C>T, p.Ala55= (NM_001378408.1).
Identifiers: ClinVar variation 4873161 (VCV004873161.2).

ClinVar aggregate classification (germline): Likely benign (1 of 4 stars; one submission).

gnomAD v4.1: 36 of 1,614,034 alleles (0.0022%); highest among the groups gnomAD compares: Middle Eastern, 0.099%; no homozygotes.

Submission:

CeGaT Center for Human Genetics Tuebingen
Classification: Likely benign. Last evaluated: 2026-06-01. Review status: criteria provided, single submitter. Criteria: CeGaT Center For Human Genetics Tuebingen Variant Classification Criteria Version 2. Collection method: clinical testing. Allele origin: germline. Affected: yes. Observed: 1 variant allele.
Comment: PDE3A: BP4, BP7